The following is an entry in ClinVar:

NM_018367.7(ACER3):c.35G>A (p.Gly12Asp)

Gene: ACER3 (alkaline ceramidase 3; plus strand). Cytogenetic location: 11q13.5.
Variant type: single nucleotide variant.
Coding change: c.35G>A on transcript NM_018367.7 (MANE Select); coding-DNA position 35, G replaced by A.
Protein change: p.Gly12Asp; replaces glycine 12 with aspartic acid.
Molecular consequence: missense variant. On other transcripts: 5 prime UTR variant (2).
Genome position (GRCh38, 1-based): chr11:76,861,011, G>A. VCF-style: chr11-76861011-G-A. GRCh37 (hg19) VCF-style: chr11-76572055-G-A.
Other names: c.35G>A, p.Gly12Asp (NM_001300953.2); c.-322G>A (NM_001300954.2); c.-198G>A (NM_001300955.2); short protein forms G12D.
Identifiers: ClinVar variation 3823194 (VCV003823194.2).

ClinVar aggregate classification (germline): Uncertain significance. Review status: criteria provided, multiple submitters, no conflicts (2 of 4 stars). 2 submissions from 2 submitters: Uncertain significance (2). Last evaluated 2025-03-24.

Submissions (2):

Labcorp Genetics (formerly Invitae), Labcorp
Classification: Uncertain significance. Last evaluated: 2025-03-24. Review status: criteria provided, single submitter. Criteria: Invitae Variant Classification Sherloc (09022015). Collection method: clinical testing. Allele origin: germline.
Comment: This sequence change replaces glycine, which is neutral and non-polar, with aspartic acid, which is acidic and polar, at codon 12 of the ACER3 protein (p.Gly12Asp). The frequency data for this variant in the population databases is considered unreliable, as metrics indicate poor data quality at this position in the gnomAD database. This variant has not been reported in the literature in individuals affected with ACER3-related conditions. Invitae Evidence Modeling of protein sequence and biophysical properties (such as structural, functional, and spatial information, amino acid conservation, physicochemical variation, residue mobility, and thermodynamic stability) has been performed for this missense variant. However, the output from this modeling did not meet the statistical confidence thresholds required to predict the impact of this variant on ACER3 protein function. In summary, the available evidence is currently insufficient to determine the role of this variant in disease. Therefore, it has been classified as a Variant of Uncertain Significance.

Ambry Genetics
Classification: Uncertain significance. Last evaluated: 2025-03-05. Review status: criteria provided, single submitter. Criteria: Ambry Variant Classification Scheme 2023. Collection method: clinical testing. Allele origin: germline.